The following is an entry in ClinVar:

NM_015631.6(TCTN3):c.537T>C (p.Asn179=)

Gene: TCTN3 (tectonic family member 3; minus strand). Cytogenetic location: 10q24.1.
Variant type: single nucleotide variant.
Coding change: c.537T>C on transcript NM_015631.6 (MANE Select); coding-DNA position 537, T replaced by C.
Protein change: p.Asn179=; no amino-acid change (asparagine 179 retained).
Molecular consequence: synonymous variant. On other transcripts: intron variant (1).
Genome position (GRCh38, 1-based): chr10:95,687,682, A>G on the plus strand (T>C on the coding strand, the complement: TCTN3 is on the minus strand). VCF-style: chr10-95687682-A-G. GRCh37 (hg19) VCF-style: chr10-97447439-A-G.
Other names: c.537T>C (NM_015631.5); c.500-523T>C (NM_001143973.2).
Identifiers: ClinVar variation 1562308 (VCV001562308.10), dbSNP rs141346992, ClinGen allele CA5621126.
Genomic context (GRCh38, chr10:95,687,682, plus strand): 5'-GAATGTTGAAGTGAATGATTCGCCTCCAAACTCTGCAGCCAGGGCCTGGAAGTTGGTTGC[A>G]TTGACCTTTTGAAGCTTCTGGAAATAGTTTAAGTTTGCTAAAATGTTTTTTAAAAGAAAA-3'
Protein context (NP_056446.4, residues 169-189): LNYFQKLQKV[Asn179=]ATNFQALAAE

ClinVar aggregate classification (germline): Likely benign. Review status: criteria provided, multiple submitters, no conflicts (2 of 4 stars). 3 submissions from 3 submitters: Likely benign (2). 1 of the submissions does not count toward it. Last evaluated 2026-01-25.

Conditions:
TCTN3-related disorder. Also called: TCTN3-related condition.
Orofacial-digital syndrome IV (OFD4). Also called: OFD SYNDROME WITH TIBIAL DEFECTS; OFD SYNDROME, BARAITSER-BURN TYPE; OFDS IV; ORAL-FACIAL-DIGITAL SYNDROME, TYPE IV; Orofaciodigital syndrome IV; BARAITSER-BURN SYNDROME. Identifiers: Orphanet 2753, MedGen C0406727, MONDO:0009794, OMIM 258860.
Joubert syndrome 18 (JBTS18). Identifiers: Orphanet 2754, MedGen C3553758, MONDO:0013896, OMIM 614815.

Allele frequency attached by ClinVar (database versions not stated): gnomAD exomes 0.00001 and 0.00004; ExAC 0.00007; ESP Exome Variant Server 0.00015; 1000 Genomes Project 30x 0.00016; gnomAD 0.00016 and 0.00017; TOPMed 0.00016; 1000 Genomes Project 0.00020.
gnomAD v4.1: 37 of 1,614,154 alleles (0.0023%); highest among the groups gnomAD compares: African/African-American, 0.047%; no homozygotes.

Submissions (3):

Labcorp Genetics (formerly Invitae), Labcorp
Classification: Likely benign for Joubert syndrome 18; Orofacial-digital syndrome IV. Last evaluated: 2026-01-25. Review status: criteria provided, single submitter. Criteria: Invitae Variant Classification Sherloc (09022015). Collection method: clinical testing. Allele origin: germline.

Blueprint Genetics
Classification: Likely benign. Last evaluated: 2022-08-02. Review status: criteria provided, single submitter. Criteria: ACMG Guidelines, 2015. Collection method: clinical testing. Allele origin: germline.

PreventionGenetics, part of Exact Sciences
Classification: Likely benign for TCTN3-related condition. Last evaluated: 2023-05-30. Review status: no assertion criteria provided. Collection method: clinical testing. Allele origin: germline. Not counted in ClinVar's aggregate classification.
Comment: This variant is classified as likely benign based on ACMG/AMP sequence variant interpretation guidelines (Richards et al. 2015 PMID: 25741868, with internal and published modifications).